The following is an entry in ClinVar:

ClinVar aggregate classification (germline): Uncertain significance. Review status: criteria provided, multiple submitters, no conflicts (2 of 4 stars). 2 submissions from 2 submitters: Uncertain significance (2). Last evaluated 2025-10-09.

Conditions:
Congenital factor V deficiency. Also called: LABILE FACTOR DEFICIENCY; OWREN PARAHEMOPHILIA; PARAHEMOPHILIA; Hereditary factor V deficiency disease. Identifiers: Orphanet 326, MedGen C0015499, MONDO:0009210, OMIM 227400.
Inborn genetic diseases. Identifiers: MedGen C0950123, MeSH D030342.

gnomAD v4.1: 8 of 1,574,360 alleles (0.00051%); highest among the groups gnomAD compares: Admixed American, 0.0017%; no homozygotes.

Submissions (2):

Dasa
Classification: Uncertain significance for Congenital factor V deficiency. Last evaluated: 2025-10-09. Review status: criteria provided, single submitter. Criteria: DASA Assertion Criteria. Collection method: clinical testing. Allele origin: germline.
Comment: NM_000130.5(F5):c.3781G>C (p.Glu1261Gln) is a missense variant that results in the substitution of glutamic acid with glutamine. This variant is rare in population databases. Computational prediction algorithms are consistent with a benign effect. The currently available literature and clinical evidence are not sufficient to establish a definitive association between this variant and the reported condition. Therefore, this variant is classified as a variant of uncertain significance.

Ambry Genetics
Classification: Uncertain significance for Inborn genetic diseases. Last evaluated: 2025-04-09. Review status: criteria provided, single submitter. Criteria: Ambry Variant Classification Scheme 2023. Collection method: clinical testing. Allele origin: germline.

NM_000130.5(F5):c.3781G>C (p.Glu1261Gln)

Gene: F5 (coagulation factor V; minus strand). Cytogenetic location: 1q24.2.
Variant type: single nucleotide variant.
Coding change: c.3781G>C on transcript NM_000130.5 (MANE Select); coding-DNA position 3781, G replaced by C.
Protein change: p.Glu1261Gln; replaces glutamic acid 1261 with glutamine.
Molecular consequence: missense variant.
Genome position (GRCh38, 1-based): chr1:169,541,309, C>G on the plus strand (G>C on the coding strand, the complement: F5 is on the minus strand). VCF-style: chr1-169541309-C-G. GRCh37 (hg19) VCF-style: chr1-169510547-C-G.
Other names: short protein forms E1261Q.
Identifiers: ClinVar variation 4020755 (VCV004020755.3).